The following is an entry in ClinVar:

NM_145886.4(PIDD1):c.2461C>T (p.Arg821Trp)

Gene: PIDD1 (p53-induced death domain protein 1; minus strand). Cytogenetic location: 11p15.5.
Variant type: single nucleotide variant.
Coding change: c.2461C>T on transcript NM_145886.4 (MANE Select); coding-DNA position 2461, C replaced by T.
Protein change: p.Arg821Trp; replaces arginine 821 with tryptophan.
Molecular consequence: missense variant.
Genome position (GRCh38, 1-based): chr11:799,828, G>A on the plus strand (C>T on the coding strand, the complement: PIDD1 is on the minus strand). VCF-style: chr11-799828-G-A. GRCh37 (hg19) VCF-style: chr11-799828-G-A.
Other names: c.2410C>T, p.Arg804Trp (NM_145887.4); short protein forms R821W, R804W.
Identifiers: ClinVar variation 2342526 (VCV002342526.5), dbSNP rs761320735, ClinGen allele CA5789555.
Genomic context (GRCh38, chr11:799,828, plus strand): 5'-AGGGCTCAGCCCTGGGGCTGGCAGCCAGCGGGCAGTGGGAGCCTCACCGGAACTCGTGCC[G>A]GATGCGCTGCACCTCCCGGTAGGACACCCCCAGGTGCAGGGCCACGGCTGGCCAGTCCAG-3'
Protein context (NP_665893.2, residues 811-831): GVSYREVQRI[Arg821Trp]HEFRDDLDEQ

ClinVar aggregate classification (germline): Uncertain significance. Review status: criteria provided, multiple submitters, no conflicts (2 of 4 stars). 2 submissions from 2 submitters: Uncertain significance (2). Last evaluated 2025-09-25.

Conditions:
Inborn genetic diseases. Identifiers: MedGen C0950123, MeSH D030342.
Intellectual developmental disorder, autosomal recessive 75, with neuropsychiatric features and variant lissencephaly (MRT75). Identifiers: MedGen C5676961, MONDO:0030785, OMIM 619827.

Allele frequency attached by ClinVar (database versions not stated): gnomAD exomes 0.00005; gnomAD 0.00008; ExAC 0.00015; TOPMed 0.00003.
gnomAD v4.1: 89 of 1,589,872 alleles (0.0056%); highest among the groups gnomAD compares: East Asian, 0.0045%; no homozygotes.

Submissions (2):

Ambry Genetics
Classification: Uncertain significance for Inborn genetic diseases. Last evaluated: 2025-09-25. Review status: criteria provided, single submitter. Criteria: Ambry Variant Classification Scheme 2023. Collection method: clinical testing. Allele origin: germline.

Institute for Clinical Genetics, University Hospital TU Dresden, University Hospital TU Dresden
Classification: Uncertain significance for Intellectual developmental disorder, autosomal recessive 75, with neuropsychiatric features and variant lissencephaly. Last evaluated: 2022-12-12. Review status: criteria provided, single submitter. Criteria: ACMG Guidelines, 2015. Collection method: clinical testing. Allele origin: biparental. Affected: yes.
Comment: homozygous variant, developmental delay and lisencephaly, ACMG criteria: PM1, PM2_SUP, PM3_SUP